The following is an entry in ClinVar:

NM_000313.4(PROS1):c.1802A>G (p.Gln601Arg)

Gene: PROS1 (protein S; minus strand). Cytogenetic location: 3q11.1.
Variant type: single nucleotide variant.
Coding change: c.1802A>G on transcript NM_000313.4 (MANE Select); coding-DNA position 1802, A replaced by G.
Protein change: p.Gln601Arg; replaces glutamine 601 with arginine.
Molecular consequence: missense variant.
Genome position (GRCh38, 1-based): chr3:93,877,034, T>C on the plus strand (A>G on the coding strand, the complement: PROS1 is on the minus strand). VCF-style: chr3-93877034-T-C. GRCh37 (hg19) VCF-style: chr3-93595878-T-C.
Other names: c.1898A>G, p.Gln633Arg (NM_001314077.2); short protein forms Q601R, Q633R.
Identifiers: ClinVar variation 2762840 (VCV002762840.3), dbSNP rs2472104364, ClinGen allele CA353670966.

ClinVar aggregate classification (germline): Uncertain significance (1 of 4 stars; one submission).

Conditions:
Thrombophilia due to protein S deficiency, autosomal recessive (THPH6). Identifiers: Orphanet 743, MedGen C3281092, MONDO:0013791, OMIM 614514. Disease mechanism: loss of function.

Submission:

Labcorp Genetics (formerly Invitae), Labcorp
Classification: Uncertain significance for Thrombophilia due to protein S deficiency, autosomal recessive. Last evaluated: 2023-09-22. Review status: criteria provided, single submitter. Criteria: Invitae Variant Classification Sherloc (09022015). Collection method: clinical testing. Allele origin: germline.
Comment: In summary, the available evidence is currently insufficient to determine the role of this variant in disease. Therefore, it has been classified as a Variant of Uncertain Significance. Advanced modeling of protein sequence and biophysical properties (such as structural, functional, and spatial information, amino acid conservation, physicochemical variation, residue mobility, and thermodynamic stability) performed at Invitae indicates that this missense variant is not expected to disrupt PROS1 protein function. This sequence change replaces glutamine, which is neutral and polar, with arginine, which is basic and polar, at codon 601 of the PROS1 protein (p.Gln601Arg). This variant is not present in population databases (gnomAD no frequency). This variant has not been reported in the literature in individuals affected with PROS1-related conditions.